The following is an entry in ClinVar:

NC_000011.9:g.(?_118209877)_(118219785_?)dup

Genes: CD3D (CD3 delta subunit of T-cell receptor complex; minus strand), CD3G (CD3 gamma subunit of T-cell receptor complex; plus strand). Cytogenetic location: 11q23.3.
Variant type: Duplication.
Identifiers: ClinVar variation 1408937 (VCV001408937.4).

ClinVar aggregate classification (germline): Uncertain significance (1 of 4 stars; one submission).

Conditions:
Combined immunodeficiency due to CD3gamma deficiency. Also called: CD3-GAMMA DEFICIENCY; SCID-LIKE IMMUNODEFICIENCY, T CELL-PARTIAL, B CELL-POSITIVE, NK CELL-POSITIVE; Immunodeficiency 17; Immunodeficiency 17, CD3 gamma deficient. Identifiers: Orphanet 169082, MedGen C3810107, MONDO:0014276, OMIM 615607.

Submission:

Labcorp Genetics (formerly Invitae), Labcorp
Classification: Uncertain significance for Combined immunodeficiency due to CD3gamma deficiency. Last evaluated: 2021-04-06. Review status: criteria provided, single submitter. Criteria: Invitae Variant Classification Sherloc (09022015). Collection method: clinical testing. Allele origin: germline.
Comment: In summary, the available evidence is currently insufficient to determine the role of this variant in disease. Therefore, it has been classified as a Variant of Uncertain Significance. Experimental studies and prediction algorithms are not available or were not evaluated, and the functional significance of this variant is currently unknown. This variant has not been reported in the literature in individuals with CD3G-related conditions. This variant results in a copy number gain of the genomic region encompassing exon(s) 1-2 of the CD3G gene. This region includes the initiator codon of the gene. The 5' end of this event is unknown as it extends beyond the assayed region for this gene and therefore may encompass additional genes. The 3' boundary is likely confined to intron 2 of the CD3G gene. As the precise location of this event is unknown, it may be in tandem or it may be located elsewhere in the genome.